The following is an entry in ClinVar:

NM_014762.4(DHCR24):c.1152G>A (p.Val384=)

Gene: DHCR24 (24-dehydrocholesterol reductase; minus strand). Cytogenetic location: 1p32.3.
Variant type: single nucleotide variant.
Coding change: c.1152G>A on transcript NM_014762.4 (MANE Select); coding-DNA position 1152, G replaced by A.
Protein change: p.Val384=; no amino-acid change (valine 384 retained).
Molecular consequence: synonymous variant.
Genome position (GRCh38, 1-based): chr1:54,854,103, C>T on the plus strand (G>A on the coding strand, the complement: DHCR24 is on the minus strand). VCF-style: chr1-54854103-C-T. GRCh37 (hg19) VCF-style: chr1-55319776-C-T.
Identifiers: ClinVar variation 2638839 (VCV002638839.26), dbSNP rs778674559, ClinGen allele CA870624.

ClinVar aggregate classification (germline): Likely benign. Review status: criteria provided, multiple submitters, no conflicts (2 of 4 stars). 2 submissions from 2 submitters: Likely benign (2). Last evaluated 2025-10-31.

Allele frequency attached by ClinVar (database versions not stated): gnomAD exomes below 0.00001; ExAC 0.00001; TOPMed 0.00001; gnomAD 0.00002.
gnomAD v4.1: 5 of 1,613,942 alleles (0.00031%); highest among the groups gnomAD compares: African/African-American, 0.004%; no homozygotes.

Submissions (2):

Labcorp Genetics (formerly Invitae), Labcorp
Classification: Likely benign. Last evaluated: 2025-10-31. Review status: criteria provided, single submitter. Criteria: Invitae Variant Classification Sherloc (09022015). Collection method: clinical testing. Allele origin: germline.

CeGaT Center for Human Genetics Tuebingen
Classification: Likely benign. Last evaluated: 2022-09-01. Review status: criteria provided, single submitter. Criteria: CeGaT Center For Human Genetics Tuebingen Variant Classification Criteria Version 2. Collection method: clinical testing. Allele origin: germline. Affected: yes. Observed: 1 variant allele.
Comment: DHCR24: BP4, BP7